The following is an entry in ClinVar:

NM_080732.4(EGLN2):c.175G>A (p.Ala59Thr)

Genes: EGLN2 (egl-9 family hypoxia inducible factor 2; plus strand), RAB4B-EGLN2 (RAB4B-EGLN2 readthrough (NMD candidate); plus strand). Cytogenetic location: 19q13.2.
Variant type: single nucleotide variant.
Coding change: c.175G>A on transcript NM_080732.4 (MANE Select); coding-DNA position 175, G replaced by A.
Protein change: p.Ala59Thr; replaces alanine 59 with threonine.
Molecular consequence: missense variant. On other transcripts: non-coding transcript variant (1).
Genome position (GRCh38, 1-based): chr19:40,800,747, G>A. VCF-style: chr19-40800747-G-A. GRCh37 (hg19) VCF-style: chr19-41306652-G-A.
Other names: c.175G>A, p.Ala59Thr (NM_053046.4); short protein forms A59T.
Identifiers: ClinVar variation 1779557 (VCV001779557.2), dbSNP rs2083249872, ClinGen allele CA405954713.

ClinVar aggregate classification (germline): Uncertain significance (1 of 4 stars; one submission).

Allele frequency attached by ClinVar (database versions not stated): TOPMed below 0.00001; gnomAD 0.00001.

Submission:

Ambry Genetics
Classification: Uncertain significance. Last evaluated: 2024-02-20. Review status: criteria provided, single submitter. Criteria: Ambry Variant Classification Scheme 2023. Collection method: clinical testing. Allele origin: germline.
Comment: The p.A59T variant (also known as c.175G>A), located in coding exon 1 of the EGLN2 gene, results from a G to A substitution at nucleotide position 175. The alanine at codon 59 is replaced by threonine, an amino acid with similar properties. This amino acid position is conserved. In addition, this alteration is predicted to be tolerated by in silico analysis. Since supporting evidence is limited at this time, the clinical significance of this alteration remains unclear.